The following is an entry in ClinVar:

ClinVar aggregate classification (germline): Uncertain significance (1 of 4 stars; one submission).

Conditions:
Desmin-related myofibrillar myopathy (MFM1). Also called: Desminopathy; Desmin related myopathy (former name); Desmin storage myopathy (former name); MYOFIBRILLAR MYOPATHY WITH ARRHYTHMOGENIC RIGHT VENTRICULAR CARDIOMYOPATHY; DESMIN-RELATED MYOPATHY WITH ARRHYTHMOGENIC RIGHT VENTRICULAR CARDIOMYOPATHY; Myofibrillar myopathy 1. Identifiers: Orphanet 363543, Orphanet 98909, MedGen C1832370, MONDO:0011076, OMIM 601419.

Submission:

Labcorp Genetics (formerly Invitae), Labcorp
Classification: Uncertain significance for Desmin-related myofibrillar myopathy. Last evaluated: 2019-07-05. Review status: criteria provided, single submitter. Criteria: Invitae Variant Classification Sherloc (09022015). Collection method: clinical testing. Allele origin: germline.
Comment: In summary, the available evidence is currently insufficient to determine the role of this variant in disease. Therefore, it has been classified as a Variant of Uncertain Significance. This sequence change replaces glutamine with arginine at codon 257 of the DES protein (p.Gln257Arg). The glutamine residue is moderately conserved and there is a small physicochemical difference between glutamine and arginine. This variant is not present in population databases (ExAC no frequency). This variant has not been reported in the literature in individuals with DES-related conditions. Algorithms developed to predict the effect of missense changes on protein structure and function (SIFT, PolyPhen-2, Align-GVGD) all suggest that this variant is likely to be tolerated, but these predictions have not been confirmed by published functional studies and their clinical significance is uncertain.

NM_001927.4(DES):c.770A>G (p.Gln257Arg)

Gene: DES (desmin; plus strand). Cytogenetic location: 2q35.
Variant type: single nucleotide variant.
Coding change: c.770A>G on transcript NM_001927.4 (MANE Select); coding-DNA position 770, A replaced by G.
Protein change: p.Gln257Arg; replaces glutamine 257 with arginine.
Molecular consequence: missense variant. On other transcripts: intron variant (1).
Genome position (GRCh38, 1-based): chr2:219,420,529, A>G. VCF-style: chr2-219420529-A-G. GRCh37 (hg19) VCF-style: chr2-220285251-A-G.
Other names: c.767A>G, p.Gln256Arg (NM_001382708.1); c.770A>G, p.Gln257Arg (NM_001382710.1, NM_001382711.1, NM_001382712.1); c.500A>G, p.Gln167Arg (NM_001382713.1); c.735+183A>G (NM_001382709.1); short protein forms Q167R, Q256R, Q257R.
Identifiers: ClinVar variation 941501 (VCV000941501.10), dbSNP rs1954418582, ClinGen allele CA350690942.